The following is an entry in ClinVar:

ClinVar aggregate classification (germline): Conflicting classifications of pathogenicity. Review status: criteria provided, conflicting classifications (1 of 4 stars). 2 submissions from 2 submitters: Uncertain significance (1); Likely benign (1). Last evaluated 2025-12-03.

Conditions:
Hereditary cancer-predisposing syndrome. Also called: Tumor predisposition; Hereditary neoplastic syndrome; Hereditary Cancer Syndrome; Neoplastic Syndromes, Hereditary. Identifiers: Orphanet 140162, MedGen C0027672, MeSH D009386, MONDO:0015356.
Familial cancer of breast. Also called: hereditary breast carcinoma; BREAST CANCER, FAMILIAL; Hereditary breast cancer. Identifiers: Orphanet 227535, MedGen C0346153, MONDO:0016419, OMIM 114480. Disease mechanism: loss of function.

Submissions (2):

Ambry Genetics
Classification: Likely benign for Hereditary cancer-predisposing syndrome. Last evaluated: 2025-12-03. Review status: criteria provided, single submitter. Criteria: Ambry Variant Classification Scheme 2023. Collection method: clinical testing. Allele origin: germline.

Labcorp Genetics (formerly Invitae), Labcorp
Classification: Uncertain significance for Familial cancer of breast. Last evaluated: 2021-08-02. Review status: criteria provided, single submitter. Criteria: Invitae Variant Classification Sherloc (09022015). Collection method: clinical testing. Allele origin: germline.
Comment: This sequence change replaces glutamic acid with lysine at codon 954 of the PALB2 protein (p.Glu954Lys). The glutamic acid residue is weakly conserved and there is a small physicochemical difference between glutamic acid and lysine. This variant is not present in population databases (ExAC no frequency). This variant has not been reported in the literature in individuals with PALB2-related disease. Algorithms developed to predict the effect of missense changes on protein structure and function output the following: SIFT: "Tolerated"; PolyPhen-2: "Benign"; Align-GVGD: "Class C0". The lysine amino acid residue is found in multiple mammalian species, suggesting that this missense change does not adversely affect protein function. These predictions have not been confirmed by published functional studies and their clinical significance is uncertain. In summary, the available evidence is currently insufficient to determine the role of this variant in disease. Therefore, it has been classified as a Variant of Uncertain Significance.

NM_024675.4(PALB2):c.2860G>A (p.Glu954Lys)

Gene: PALB2 (partner and localizer of BRCA2; minus strand). Cytogenetic location: 16p12.2.
Variant type: single nucleotide variant.
Coding change: c.2860G>A on transcript NM_024675.4 (MANE Select); coding-DNA position 2860, G replaced by A.
Protein change: p.Glu954Lys; replaces glutamic acid 954 with lysine.
Molecular consequence: missense variant.
Genome position (GRCh38, 1-based): chr16:23,623,105, C>T on the plus strand (G>A on the coding strand, the complement: PALB2 is on the minus strand). VCF-style: chr16-23623105-C-T. GRCh37 (hg19) VCF-style: chr16-23634426-C-T.
Other names: short protein forms E954K.
Identifiers: ClinVar variation 578165 (VCV000578165.10), dbSNP rs879254015, ClinGen allele CA395144445.
Genomic context (GRCh38, chr16:23,623,105, plus strand): 5'-TTGTCAGGCCAAGCACAGCTTTTATATTTCCAGACTTCAGTAGTACTTGCTTTTCACTTT[C>T]ATCATCAGAGGAACAAAACAATGCCCTAAGCCAAATATAAGGAAAAATGGGGTGATGTGA-3'
Protein context (NP_078951.2, residues 944-964): IRALFCSSDD[Glu954Lys]SEKQVLLKSG